The following is an entry in ClinVar:

NM_001395002.1(MAP4K4):c.1867-1G>A

Gene: MAP4K4 (mitogen-activated protein kinase kinase kinase kinase 4; plus strand). Cytogenetic location: 2q11.2.
Variant type: single nucleotide variant.
Coding change: c.1867-1G>A on transcript NM_001395002.1 (MANE Select); the canonical splice acceptor site of the intron before coding-DNA position 1867, G replaced by A.
Molecular consequence: splice acceptor variant. On other transcripts: intron variant (28).
Genome position (GRCh38, 1-based): chr2:101,863,820, G>A. VCF-style: chr2-101863820-G-A. GRCh37 (hg19) VCF-style: chr2-102480282-G-A.
Other names: c.1867-1G>A (NM_001384506.1, NM_001384497.1); c.1867-1110G>A (NM_001384486.1, NM_001384507.1, NM_001384481.1 and 2 more transcripts); c.1705-1G>A (NM_001384493.1, NM_001384485.1, NM_001384484.1 and 1 more transcripts); c.1705-7G>A (NM_001384477.1, NM_001384508.1); c.1705-1110G>A (NM_001384490.1, NM_001384496.1, NM_001384494.1 and 1 more transcripts); c.1774-1G>A (NM_001384543.1, NM_001384520.1, NM_001384492.1); c.1774-1110G>A (NM_145687.4, NM_145686.4); c.1612-1G>A (NM_001242560.2, NM_001384487.1, NM_001384491.1 and 1 more transcripts); and 11 more.
Identifiers: ClinVar variation 3359297 (VCV003359297.1).

ClinVar aggregate classification (germline): Uncertain significance (1 of 4 stars; one submission).

Submission:

GeneDx
Classification: Uncertain significance. Last evaluated: 2023-05-30. Review status: criteria provided, single submitter. Criteria: GeneDx Variant Classification Process June 2021. Collection method: clinical testing. Allele origin: germline. Affected: yes.
Comment: Not observed at significant frequency in large population cohorts (gnomAD); Has not been previously published as pathogenic or benign to our knowledge; In silico analysis is inconclusive as to whether the variant alters gene splicing. In the absence of RNA/functional studies, the actual effect of this sequence change is unknown.; Variants in candidate genes are classified as variants of uncertain significance in accordance with ACMG guidelines (Richards et al., 2015); Reported using an alternate transcript of the gene